The following is an entry in ClinVar:

NM_000744.7(CHRNA4):c.1144C>T (p.Pro382Ser)

Gene: CHRNA4 (cholinergic receptor nicotinic alpha 4 subunit; minus strand). Cytogenetic location: 20q13.33.
Variant type: single nucleotide variant.
Coding change: c.1144C>T on transcript NM_000744.7 (MANE Select); coding-DNA position 1144, C replaced by T.
Protein change: p.Pro382Ser; replaces proline 382 with serine.
Molecular consequence: missense variant. On other transcripts: non-coding transcript variant (1).
Genome position (GRCh38, 1-based): chr20:63,350,267, G>A on the plus strand (C>T on the coding strand, the complement: CHRNA4 is on the minus strand). VCF-style: chr20-63350267-G-A. GRCh37 (hg19) VCF-style: chr20-61981619-G-A.
Other names: c.616C>T, p.Pro206Ser (NM_001256573.2); short protein forms P382S, P206S.
Identifiers: ClinVar variation 588376 (VCV000588376.5), dbSNP rs1568809115, ClinGen allele CA409634344.

ClinVar aggregate classification (germline): Uncertain significance (1 of 4 stars; one submission).

Conditions:
Inborn genetic diseases. Identifiers: MedGen C0950123, MeSH D030342.

Submission:

Ambry Genetics
Classification: Uncertain significance for Inborn genetic diseases. Last evaluated: 2016-10-21. Review status: criteria provided, single submitter. Criteria: Ambry Variant Classification Scheme 2023. Collection method: clinical testing. Allele origin: germline.
Comment: The p.P382S variant (also known as c.1144C>T), located in coding exon 5 of the CHRNA4 gene, results from a C to T substitution at nucleotide position 1144. The proline at codon 382 is replaced by serine, an amino acid with similar properties. This variant was not reported in population based cohorts in the following databases: Database of Single Nucleotide Polymorphisms (dbSNP), NHLBI Exome Sequencing Project (ESP), and 1000 Genomes Project. In the ESP, this variant was not observed in 6495 samples (12990 alleles) with coverage at this position. This amino acid position is not well conserved in available vertebrate species. In addition, this alteration is predicted to be tolerated by in silico analysis. Since supporting evidence is limited at this time, the clinical significance of this alteration remains unclear.